The following is an entry in ClinVar:

ClinVar aggregate classification (germline): Pathogenic. Review status: criteria provided, multiple submitters, no conflicts (2 of 4 stars). 3 submissions from 3 submitters: Pathogenic (3). Last evaluated 2026-09-08.

Conditions:
Fabry disease. Also called: ALPHA-GALACTOSIDASE A DEFICIENCY; ANDERSON-FABRY DISEASE; CERAMIDE TRIHEXOSIDASE DEFICIENCY; GLA DEFICIENCY; HEREDITARY DYSTOPIC LIPIDOSIS; Fabry's disease. Identifiers: Orphanet 324, MedGen C0002986, MONDO:0010526, OMIM 301500, HP:0001071. Disease mechanism: Fabry disease is due to inactivating mutations in the X-linked GLA gene resulting in deficiency of the enzyme Alpha Galactosidase-A., loss of function.

Submissions (3):

Genomenon, Inc
Classification: Pathogenic for Fabry disease. Last evaluated: 2026-09-08. Review status: criteria provided, single submitter. Criteria: Genomenon Sequence Variant Interpretation Standards - Updated. Collection method: curation. Allele origin: germline. Affected: yes.
Comment: GLA p.Tyr329ThrfsTer19 (c.984del) is a frameshift variant that is predicted to introduce a premature termination codon and result in a truncated or absent protein product. This variant has been observed in at least one proband with clinical features consistent with Fabry disease (PMID:28688718). The variant was found to segregate with disease in at least one affected family (PMID:28688718). It is absent or not present at a significant frequency in gnomAD. In conclusion, we classify GLA p.Tyr329ThrfsTer19 (c.984del) as a pathogenic variant.

Labcorp Genetics (formerly Invitae), Labcorp
Classification: Pathogenic for Fabry disease. Last evaluated: 2025-03-26. Review status: criteria provided, single submitter. Criteria: Invitae Variant Classification Sherloc (09022015). Collection method: clinical testing. Allele origin: germline.
Comment: This sequence change creates a premature translational stop signal (p.Tyr329Thrfs*19) in the GLA gene. While this is not anticipated to result in nonsense mediated decay, it is expected to disrupt the last 101 amino acid(s) of the GLA protein. This variant is not present in population databases (gnomAD no frequency). This variant has not been reported in the literature in individuals affected with GLA-related conditions. ClinVar contains an entry for this variant (Variation ID: 2689582). Algorithms developed to predict the effect of sequence changes on RNA splicing suggest that this variant may create or strengthen a splice site. This variant disrupts a region of the GLA protein in which other variant(s) (p.Thr412Ile) have been determined to be pathogenic (internal data). This suggests that this is a clinically significant region of the protein, and that variants that disrupt it are likely to be disease-causing. For these reasons, this variant has been classified as Pathogenic.

Revvity Omics, Revvity
Classification: Pathogenic. Last evaluated: 2023-08-24. Review status: criteria provided, single submitter. Criteria: ACMG Guidelines, 2015. Collection method: clinical testing. Allele origin: germline.

Literature cited by the submitters: PubMed 28688718 (cited by Genomenon, Inc).

NM_000169.3(GLA):c.984del (p.Tyr329fs)

Genes: GLA (galactosidase alpha; minus strand), RPL36A-HNRNPH2 (RPL36A-HNRNPH2 readthrough; plus strand). Cytogenetic location: Xq22.1.
Variant type: Deletion.
Coding change: c.984del on transcript NM_000169.3 (MANE Select); coding-DNA position 984, one base deleted (G; older notation c.984delG).
Protein change: p.Tyr329fs; shifts the reading frame from tyrosine 329.
Molecular consequence: frameshift variant. On other transcripts: non-coding transcript variant (3), intron variant (2).
Genome position (GRCh38, 1-based): chrX:101,398,385, C deleted on the plus strand (G on the coding strand, the reverse complement: GLA is on the minus strand); the first of 3 consecutive C bases (chrX:101,398,385-101,398,387); deleting any one gives the same sequence. VCF-style (leftmost placement, unchanged base first): chrX-101398384-AC-A. GRCh37 (hg19) VCF-style: chrX-100653372-AC-A.
Other names: c.982delG, p.Tyr329Thrfs (NM_000169.2); c.1107del, p.Tyr370fs (NM_001406747.1); c.984del, p.Tyr329fs (NM_001406748.1); c.300+2930del (NM_001199973.2); c.177+6565del (NM_001199974.2); short protein forms Y329fs, Y370fs.
Identifiers: ClinVar variation 2689582 (VCV002689582.5), dbSNP rs2520859612, ClinGen allele CA517736763.